The following is an entry in ClinVar:

NM_020366.4(RPGRIP1):c.3402_3404del (p.Met1134_Ser1135delinsIle)

Gene: RPGRIP1 (RPGR interacting protein 1; plus strand). Cytogenetic location: 14q11.2.
Variant type: Deletion.
Coding change: c.3402_3404del on transcript NM_020366.4 (MANE Select); coding-DNA positions 3402 to 3404, 3 bases deleted (GTC; older notation c.3402_3404delGTC).
Protein change: p.Met1134_Ser1135delinsIle.
Molecular consequence: inframe indel.
Genome position (GRCh38, 1-based): chr14:21,343,098-21,343,100, GTC deleted. VCF-style (leftmost placement, unchanged base first): chr14-21343097-TGTC-T. GRCh37 (hg19) VCF-style: chr14-21811256-TGTC-T.
Other names: c.1380_1382del, p.Met460_Ser461delinsIle (NM_001377523.1, NM_001377950.1); c.2328_2330del, p.Met776_Ser777delinsIle (NM_001377948.1); c.1488_1490del, p.Met496_Ser497delinsIle (NM_001377949.1); c.885_887del, p.Met295_Ser296delinsIle (NM_001377951.1).
Identifiers: ClinVar variation 972225 (VCV000972225.9), dbSNP rs774522001, ClinGen allele CA7089510.
Genomic context (GRCh38, chr14:21,343,097, plus strand): 5'-ATTCAGAGAAGATGTGCATTGAAATTGTCTCCCTGGCCTTCTACCCAGAGGCAGAAGTGA[TGTC>T]TGATGAGAACATAAAACAGGTGTATGTGGAGTACAAATTCTACGACCTACCCTTGTCGGA-3'

ClinVar aggregate classification (germline): Uncertain significance. Review status: criteria provided, multiple submitters, no conflicts (2 of 4 stars). 4 submissions from 4 submitters: Uncertain significance (4). Last evaluated 2024-11-05.

Conditions:
Cone-rod dystrophy 13 (CORD13). Identifiers: Orphanet 1872, MedGen C2750720, MONDO:0011987, OMIM 608194.
Leber congenital amaurosis 6 (LCA6). Identifiers: Orphanet 65, MedGen C1854260, MONDO:0013446, OMIM 613826.

Allele frequency attached by ClinVar (database versions not stated): ExAC 0.00013; gnomAD 0.00014; gnomAD exomes 0.00015 and 0.00056; TOPMed 0.00017; ESP Exome Variant Server 0.00043.

Submissions (4):

Blueprint Genetics
Classification: Uncertain significance. Last evaluated: 2024-11-05. Review status: criteria provided, single submitter. Criteria: ACMG Guidelines, 2015. Collection method: clinical testing. Allele origin: germline.

Labcorp Genetics (formerly Invitae), Labcorp
Classification: Uncertain significance for Leber congenital amaurosis 6; Cone-rod dystrophy 13. Last evaluated: 2023-10-18. Review status: criteria provided, single submitter. Criteria: Invitae Variant Classification Sherloc (09022015). Collection method: clinical testing. Allele origin: germline.
Comment: This variant, c.3402_3404del, is a complex sequence change that results in the deletion of 2 and insertion of 1 amino acid(s) in the RPGRIP1 protein (p.Met1134_Ser1135delinsIle). This variant is present in population databases (rs774522001, gnomAD 0.03%). This variant has not been reported in the literature in individuals affected with RPGRIP1-related conditions. ClinVar contains an entry for this variant (Variation ID: 972225). Experimental studies and prediction algorithms are not available or were not evaluated, and the functional significance of this variant is currently unknown. In summary, the available evidence is currently insufficient to determine the role of this variant in disease. Therefore, it has been classified as a Variant of Uncertain Significance.

Department of Pathology and Laboratory Medicine, Sinai Health System
Classification: Uncertain significance for Cone-rod dystrophy 13; Leber congenital amaurosis 6. Last evaluated: 2023-08-28. Review status: criteria provided, single submitter. Criteria: ACMG Guidelines, 2015. Collection method: research. Allele origin: germline.

Fulgent Genetics
Classification: Uncertain significance for Cone-rod dystrophy 13; Leber congenital amaurosis 6. Last evaluated: 2021-07-20. Review status: criteria provided, single submitter. Criteria: ACMG Guidelines, 2015. Collection method: clinical testing. Allele origin: unknown.